The following is an entry in ClinVar:

NM_194250.2(ZNF804A):c.3619C>T (p.Pro1207Ser)

Gene: ZNF804A (zinc finger protein 804A; plus strand). Cytogenetic location: 2q32.1.
Variant type: single nucleotide variant.
Coding change: c.3619C>T on transcript NM_194250.2 (MANE Select); coding-DNA position 3619, C replaced by T.
Protein change: p.Pro1207Ser; replaces proline 1207 with serine.
Molecular consequence: missense variant.
Genome position (GRCh38, 1-based): chr2:184,939,015, C>T. VCF-style: chr2-184939015-C-T. GRCh37 (hg19) VCF-style: chr2-185803742-C-T.
Other names: short protein forms P1207S.
Identifiers: ClinVar variation 3051052 (VCV003051052.3), dbSNP rs139802103, ClinGen allele CA2016373.
Genomic context (GRCh38, chr2:184,939,015, plus strand): 5'-TTACCCCATGCACTCTTTCCTTCACTGCTTTCCCCACACCCTACTGTCATCCCTTTGCAA[C>T]CTCTCTTCTAGTCATCACCATAATGGGAAAAAAATACTCTTGTGAAAACTATTGCTATAT-3'
Protein context (NP_919226.1, residues 1197-1209): SPHPTVIPLQ[Pro1207Ser]LF

ClinVar aggregate classification (germline): Uncertain significance. Review status: criteria provided, single submitter (1 of 4 stars). 2 submissions from 2 submitters: Uncertain significance (1). 1 of the submissions does not count toward it. Last evaluated 2025-01-20.

Conditions:
ZNF804A-related disorder. Also called: ZNF804A-related condition.

Allele frequency attached by ClinVar (database versions not stated): ExAC 0.00002; gnomAD 0.00003; TOPMed 0.00003; ESP Exome Variant Server 0.00023.
gnomAD v4.1: 47 of 1,613,600 alleles (0.0029%); highest among the groups gnomAD compares: African/African-American, 0.004%; no homozygotes.

Submissions (2):

Ambry Genetics
Classification: Uncertain significance. Last evaluated: 2025-01-20. Review status: criteria provided, single submitter. Criteria: Ambry Variant Classification Scheme 2023. Collection method: clinical testing. Allele origin: germline.

PreventionGenetics, part of Exact Sciences
Classification: Uncertain significance for ZNF804A-related condition. Last evaluated: 2024-01-23. Review status: no assertion criteria provided. Collection method: clinical testing. Allele origin: germline. Not counted in ClinVar's aggregate classification.
Comment: The ZNF804A c.3619C>T variant is predicted to result in the amino acid substitution p.Pro1207Ser. To our knowledge, this variant has not been reported in the literature. This variant is reported in 0.0062% of alleles in individuals of European (Non-Finnish) descent in gnomAD. At this time, the clinical significance of this variant is uncertain due to the absence of conclusive functional and genetic evidence.